The following is an entry in ClinVar:

NM_001199267.2(DGKZ):c.162-921C>T

Gene: DGKZ (diacylglycerol kinase zeta; plus strand). Cytogenetic location: 11p11.2.
Variant type: single nucleotide variant.
Coding change: c.162-921C>T on transcript NM_001199267.2 (MANE Select); 921 bases into the intron before coding-DNA position 162, C replaced by T.
Molecular consequence: intron variant. On other transcripts: synonymous variant (1).
Genome position (GRCh38, 1-based): chr11:46,366,370, C>T. VCF-style: chr11-46366370-C-T. GRCh37 (hg19) VCF-style: chr11-46387920-C-T.
Other names: c.114C>T, p.Pro38= (NM_001105540.2); c.213-921C>T (NM_201532.3); c.177-921C>T (NM_201533.3); c.162-921C>T (NM_001199266.2, NM_003646.4, NM_001199268.2).
Identifiers: ClinVar variation 1650033 (VCV001650033.33), dbSNP rs116627533, ClinGen allele CA5962078.
Genomic context (GRCh38, chr11:46,366,370, plus strand): 5'-GGGGCAGCAGCGGCCCAGCAGCGTGGGGCTGCCCACAGGCAAGGCCCGGCGTCGCTCCCC[C>T]GCTGGGCAGGCCTCCTCCTCACTGGCACAGCGGCGCCGCTCCAGCGCCCAGCTCCAGGGC-3'

ClinVar aggregate classification (germline): Benign/Likely benign. Review status: criteria provided, multiple submitters, no conflicts (2 of 4 stars). 3 submissions from 3 submitters: Benign (2); Likely benign (1). Last evaluated 2025-12-15.

Allele frequency attached by ClinVar (database versions not stated): gnomAD exomes 0.00079; ESP Exome Variant Server 0.00122; gnomAD 0.00271 and 0.00282; TOPMed 0.00283; 1000 Genomes Project 30x 0.00453; 1000 Genomes Project 0.00459.
gnomAD v4.1: 828 of 1,520,998 alleles (0.054%); highest among the groups gnomAD compares: African/African-American, 0.95%; 3 homozygotes.

Submissions (3):

Labcorp Genetics (formerly Invitae), Labcorp
Classification: Benign. Last evaluated: 2025-12-15. Review status: criteria provided, single submitter. Criteria: Invitae Variant Classification Sherloc (09022015). Collection method: clinical testing. Allele origin: germline.

CeGaT Center for Human Genetics Tuebingen
Classification: Likely benign. Last evaluated: 2022-12-01. Review status: criteria provided, single submitter. Criteria: CeGaT Center For Human Genetics Tuebingen Variant Classification Criteria Version 2. Collection method: clinical testing. Allele origin: germline. Affected: yes. Observed: 1 variant allele.
Comment: DGKZ: BP4, BP7, BS2

Breakthrough Genomics
Classification: Benign. Review status: criteria provided, single submitter. Criteria: ACMG Guidelines, 2015. Collection method: not provided. Allele origin: germline. Inheritance: Unknown mechanism. Affected: yes.